The following is an entry in ClinVar:

NM_000465.4(BARD1):c.2192G>C (p.Arg731Pro)

Gene: BARD1 (BRCA1 associated RING domain 1; minus strand). Cytogenetic location: 2q35.
Variant type: single nucleotide variant.
Coding change: c.2192G>C on transcript NM_000465.4 (MANE Select); coding-DNA position 2192, G replaced by C.
Protein change: p.Arg731Pro; replaces arginine 731 with proline.
Molecular consequence: missense variant. On other transcripts: non-coding transcript variant (3).
Genome position (GRCh38, 1-based): chr2:214,728,818, C>G on the plus strand (G>C on the coding strand, the complement: BARD1 is on the minus strand). VCF-style: chr2-214728818-C-G. GRCh37 (hg19) VCF-style: chr2-215593542-C-G.
Other names: c.2192G>C (NM_000465.2); c.653G>C, p.Arg218Pro (NM_001282549.2); c.2135G>C, p.Arg712Pro (NM_001282543.2); c.839G>C, p.Arg280Pro (NM_001282545.2); c.782G>C, p.Arg261Pro (NM_001282548.2); short protein forms R712P, R731P, R218P, R261P, R280P.
Identifiers: ClinVar variation 1045014 (VCV001045014.10), dbSNP rs587782248, ClinGen allele CA350450291.
Genomic context (GRCh38, chr2:214,728,818, plus strand): 5'-CGAACCCTCTCTGGGTGATAATTACACAAATCTTCATAGATGATATACTGTGTGCAGAAG[C>G]GCTGATCAGAATCGGGTCTCGCATGGTATGCGACTGTATTGATGGTCTGAGTCACGTCAC-3'
Protein context (NP_000456.2, residues 721-741): AYHARPDSDQ[Arg731Pro]FCTQYIIYED

ClinVar aggregate classification (germline): Uncertain significance. Review status: criteria provided, multiple submitters, no conflicts (2 of 4 stars). 2 submissions from 2 submitters: Uncertain significance (2). Last evaluated 2026-07-20.

Conditions:
Hereditary cancer-predisposing syndrome. Also called: Tumor predisposition; Hereditary Cancer Syndrome; Hereditary neoplastic syndrome; Neoplastic Syndromes, Hereditary. Identifiers: Orphanet 140162, MedGen C0027672, MeSH D009386, MONDO:0015356.
Familial cancer of breast. Also called: Hereditary breast cancer; hereditary breast carcinoma; BREAST CANCER, FAMILIAL. Identifiers: Orphanet 227535, MedGen C0346153, MONDO:0016419, OMIM 114480. Disease mechanism: loss of function.

Submissions (2):

Ambry Genetics
Classification: Uncertain significance for Hereditary cancer-predisposing syndrome. Last evaluated: 2026-07-20. Review status: criteria provided, single submitter. Criteria: Ambry Variant Classification Scheme 2023. Collection method: clinical testing. Allele origin: germline.
Comment: The p.R731P variant (also known as c.2192G>C), located in coding exon 11 of the BARD1 gene, results from a G to C substitution at nucleotide position 2192. The arginine at codon 731 is replaced by proline, an amino acid with dissimilar properties. This amino acid position is conserved. In addition, the in silico prediction for this alteration is inconclusive. Based on the available evidence, the clinical significance of this variant remains unclear.

Labcorp Genetics (formerly Invitae), Labcorp
Classification: Uncertain significance for Familial cancer of breast. Last evaluated: 2020-10-18. Review status: criteria provided, single submitter. Criteria: Invitae Variant Classification Sherloc (09022015). Collection method: clinical testing. Allele origin: germline.
Comment: This sequence change replaces arginine with proline at codon 731 of the BARD1 protein (p.Arg731Pro). The arginine residue is highly conserved and there is a moderate physicochemical difference between arginine and proline. In summary, the available evidence is currently insufficient to determine the role of this variant in disease. Therefore, it has been classified as a Variant of Uncertain Significance. Algorithms developed to predict the effect of missense changes on protein structure and function are either unavailable or do not agree on the potential impact of this missense change (SIFT: "Deleterious"; PolyPhen-2: "Possibly Damaging"; Align-GVGD: "Class C0"). This variant has not been reported in the literature in individuals with BARD1-related conditions. This variant is not present in population databases (ExAC no frequency).